The following is an entry in ClinVar:

NM_004380.3(CREBBP):c.5570_5590dup (p.Gln1863_Leu1864insHisArgLeuGlnGlnAlaGln)

Gene: CREBBP (CREB binding lysine acetyltransferase; minus strand). Cytogenetic location: 16p13.3.
Variant type: Duplication.
Coding change: c.5570_5590dup on transcript NM_004380.3 (MANE Select); coding-DNA positions 5570 to 5590, 21 bases duplicated (ACCGCCTGCAGCAGGCCCAGC).
Protein change: p.Gln1863_Leu1864insHisArgLeuGlnGlnAlaGln.
Molecular consequence: inframe insertion.
Genome position (GRCh38, 1-based): chr16:3,729,457-3,729,477, GCTGGGCCTGCTGCAGGCGGT duplicated on the plus strand (ACCGCCTGCAGCAGGCCCAGC on the coding strand, the reverse complement: CREBBP is on the minus strand); duplicating any 21 consecutive bases within chr16:3,729,457-3,729,482 gives the same sequence; the c. name uses the placement nearest the transcript's 3' end. VCF-style (leftmost placement, unchanged base first): chr16-3729456-A-AGCTGGGCCTGCTGCAGGCGGT. GRCh37 (hg19) VCF-style: chr16-3779457-A-AGCTGGGCCTGCTGCAGGCGGT.
Other names: c.5456_5476dup, p.Gln1825_Leu1826insHisArgLeuGlnGlnAlaGln (NM_001079846.1).
Identifiers: ClinVar variation 2034640 (VCV002034640.4), dbSNP rs2548349785, ClinGen allele CA2580091120.

ClinVar aggregate classification (germline): Uncertain significance (1 of 4 stars; one submission).

Conditions:
Rubinstein-Taybi syndrome (RSTS). Identifiers: Orphanet 783, MedGen C0035934, MONDO:0019188.

Submission:

Labcorp Genetics (formerly Invitae), Labcorp
Classification: Uncertain significance for Rubinstein-Taybi syndrome. Last evaluated: 2022-09-06. Review status: criteria provided, single submitter. Criteria: Invitae Variant Classification Sherloc (09022015). Collection method: clinical testing. Allele origin: germline.
Comment: This variant, c.5570_5590dup, results in the insertion of 7 amino acid(s) of the CREBBP protein (p.His1857_Gln1863dup), but otherwise preserves the integrity of the reading frame. This variant is not present in population databases (gnomAD no frequency). This variant has not been reported in the literature in individuals affected with CREBBP-related conditions. Experimental studies and prediction algorithms are not available or were not evaluated, and the functional significance of this variant is currently unknown. In summary, the available evidence is currently insufficient to determine the role of this variant in disease. Therefore, it has been classified as a Variant of Uncertain Significance.